The following is an entry in ClinVar:

NM_000288.4(PEX7):c.373G>A (p.Glu125Lys)

Gene: PEX7 (peroxisomal biogenesis factor 7; plus strand). Cytogenetic location: 6q23.3.
Variant type: single nucleotide variant.
Coding change: c.373G>A on transcript NM_000288.4 (MANE Select); coding-DNA position 373, G replaced by A.
Protein change: p.Glu125Lys; replaces glutamic acid 125 with lysine.
Molecular consequence: missense variant.
Genome position (GRCh38, 1-based): chr6:136,845,648, G>A. VCF-style: chr6-136845648-G-A. GRCh37 (hg19) VCF-style: chr6-137166786-G-A.
Other names: short protein forms E125K.
Identifiers: ClinVar variation 961645 (VCV000961645.10), dbSNP rs769137963, ClinGen allele CA4017585.

ClinVar aggregate classification (germline): Uncertain significance. Review status: criteria provided, single submitter (1 of 4 stars). 2 submissions from 2 submitters: Uncertain significance (1). 1 of the submissions does not count toward it. Last evaluated 2020-03-31.

Conditions:
Rhizomelic chondrodysplasia punctata (RCDP). Identifiers: Orphanet 177, MedGen C0282529, MONDO:0015776. Disease mechanism: loss of function.
Peroxisome biogenesis disorder 9B. Also called: PEX7-Related Refsum Disease; PEROXISOME BIOGENESIS DISORDER, PEX7-RELATED, ATYPICAL; Refsum disease, adult, 2. Identifiers: Orphanet 773, MedGen C2749346, MONDO:0013945, OMIM 614879.

Allele frequency attached by ClinVar (database versions not stated): gnomAD exomes below 0.00001; ExAC 0.00001; gnomAD 0.00001; TOPMed 0.00001.

Submissions (2):

Labcorp Genetics (formerly Invitae), Labcorp
Classification: Uncertain significance for Peroxisome biogenesis disorder 9B. Last evaluated: 2020-03-31. Review status: criteria provided, single submitter. Criteria: Invitae Variant Classification Sherloc (09022015). Collection method: clinical testing. Allele origin: germline.
Comment: This sequence change replaces glutamic acid with lysine at codon 125 of the PEX7 protein (p.Glu125Lys). The glutamic acid residue is moderately conserved and there is a small physicochemical difference between glutamic acid and lysine. In summary, the available evidence is currently insufficient to determine the role of this variant in disease. Therefore, it has been classified as a Variant of Uncertain Significance. Algorithms developed to predict the effect of missense changes on protein structure and function are either unavailable or do not agree on the potential impact of this missense change (SIFT: "Tolerated"; PolyPhen-2: "Possibly Damaging"; Align-GVGD: "Class C0"). This variant has not been reported in the literature in individuals with PEX7-related conditions. This variant is present in population databases (rs769137963, ExAC 0.01%).

Natera, Inc.
Classification: Uncertain significance for Rhizomelic Chondrodysplasia Punctata. Last evaluated: 2020-05-11. Review status: no assertion criteria provided. Collection method: clinical testing. Allele origin: germline. Not counted in ClinVar's aggregate classification.